The following is an entry in ClinVar:

ClinVar aggregate classification (germline): Uncertain significance (1 of 4 stars; one submission).

Allele frequency attached by ClinVar (database versions not stated): ExAC 0.00001.

Submission:

Labcorp Genetics (formerly Invitae), Labcorp
Classification: Uncertain significance. Last evaluated: 2022-05-20. Review status: criteria provided, single submitter. Criteria: Invitae Variant Classification Sherloc (09022015). Collection method: clinical testing. Allele origin: germline.
Comment: In summary, the available evidence is currently insufficient to determine the role of this variant in disease. Therefore, it has been classified as a Variant of Uncertain Significance. Algorithms developed to predict the effect of missense changes on protein structure and function are either unavailable or do not agree on the potential impact of this missense change (SIFT: "Tolerated"; PolyPhen-2: "Probably Damaging"; Align-GVGD: "Class C0"). This variant has not been reported in the literature in individuals affected with COL7A1-related conditions. The frequency data for this variant in the population databases is considered unreliable, as metrics indicate poor data quality at this position in the gnomAD database. This sequence change replaces proline, which is neutral and non-polar, with glutamine, which is neutral and polar, at codon 2215 of the COL7A1 protein (p.Pro2215Gln).

NM_000094.4(COL7A1):c.6644C>A (p.Pro2215Gln)

Gene: COL7A1 (collagen type VII alpha 1 chain; minus strand). Cytogenetic location: 3p21.31.
Variant type: single nucleotide variant.
Coding change: c.6644C>A on transcript NM_000094.4 (MANE Select); coding-DNA position 6644, C replaced by A.
Protein change: p.Pro2215Gln; replaces proline 2215 with glutamine.
Molecular consequence: missense variant.
Genome position (GRCh38, 1-based): chr3:48,573,323, G>T on the plus strand (C>A on the coding strand, the complement: COL7A1 is on the minus strand). VCF-style: chr3-48573323-G-T. GRCh37 (hg19) VCF-style: chr3-48610756-G-T.
Other names: short protein forms P2215Q.
Identifiers: ClinVar variation 1996806 (VCV001996806.4), dbSNP rs780772422, ClinGen allele CA2378903.